The following is an entry in ClinVar:

ClinVar aggregate classification (germline): Uncertain significance (1 of 4 stars; one submission).

Allele frequency attached by ClinVar (database versions not stated): TOPMed below 0.00001; gnomAD 0.00001.
gnomAD v4.1: 1 of 1,612,918 alleles (0.000062%); highest among the groups gnomAD compares: African/African-American, 0.0013%; no homozygotes.

Submission:

GeneDx
Classification: Uncertain significance. Last evaluated: 2019-10-18. Review status: criteria provided, single submitter. Criteria: GeneDx Variant Classification Process June 2021. Collection method: clinical testing. Allele origin: germline. Affected: yes.
Comment: Not observed in large population cohorts (Lek et al., 2016); Missense variant in a gene in which most reported pathogenic variants are truncating/loss-of-function; Has not been previously published as pathogenic or benign to our knowledge

NM_001267550.2(TTN):c.50675G>T (p.Cys16892Phe)

Genes: TTN (titin; minus strand), TTN-AS1 (TTN antisense RNA 1; plus strand). Cytogenetic location: 2q31.2.
Variant type: single nucleotide variant.
Coding change: c.50675G>T on transcript NM_001267550.2 (MANE Select); coding-DNA position 50675, G replaced by T.
Protein change: p.Cys16892Phe; replaces cysteine 16892 with phenylalanine.
Molecular consequence: missense variant.
Genome position (GRCh38, 1-based): chr2:178,611,554, C>A on the plus strand (G>T on the coding strand, the complement: TTN is on the minus strand). VCF-style: chr2-178611554-C-A. GRCh37 (hg19) VCF-style: chr2-179476281-C-A.
Other names: c.45752G>T, p.Cys15251Phe (NM_001256850.1); c.23480G>T, p.Cys7827Phe (NM_003319.4); c.42971G>T, p.Cys14324Phe (NM_133378.4); c.23855G>T, p.Cys7952Phe (NM_133432.3); c.24056G>T, p.Cys8019Phe (NM_133437.4); short protein forms C14324F, C15251F, C16892F, C7827F, C7952F, C8019F.
Identifiers: ClinVar variation 1309309 (VCV001309309.2), dbSNP rs958402858, ClinGen allele CA60984817.
Genomic context (GRCh38, chr2:178,611,554, plus strand): 5'-AATTTCAAGTCCTTTATTGGGCGAGAATTAACTCTCATCCATTTCTCAGTGCCTACTGGA[C>A]ACATTTCAACATGGTATCCTATGATAGGACTTCCACCATTTTTCTCTGGAGGCTTCCAAG-3'
Protein context (NP_001254479.2, residues 16882-16902): SPIIGYHVEM[Cys16892Phe]PVGTEKWMRV